The following is an entry in ClinVar:

ClinVar aggregate classification (germline): Uncertain significance (1 of 4 stars; one submission).

Allele frequency attached by ClinVar (database versions not stated): gnomAD exomes below 0.00001; ExAC 0.00001.

Submission:

Labcorp Genetics (formerly Invitae), Labcorp
Classification: Uncertain significance. Last evaluated: 2022-11-22. Review status: criteria provided, single submitter. Criteria: Invitae Variant Classification Sherloc (09022015). Collection method: clinical testing. Allele origin: germline.
Comment: In summary, the available evidence is currently insufficient to determine the role of this variant in disease. Therefore, it has been classified as a Variant of Uncertain Significance. Advanced modeling of protein sequence and biophysical properties (such as structural, functional, and spatial information, amino acid conservation, physicochemical variation, residue mobility, and thermodynamic stability) performed at Invitae indicates that this missense variant is not expected to disrupt SERPING1 protein function. This variant has not been reported in the literature in individuals affected with SERPING1-related conditions. This variant is present in population databases (rs760283415, gnomAD 0.003%). This sequence change replaces aspartic acid, which is acidic and polar, with asparagine, which is neutral and polar, at codon 420 of the SERPING1 protein (p.Asp420Asn).

NM_000062.3(SERPING1):c.1258G>A (p.Asp420Asn)

Gene: SERPING1 (serpin family G member 1; plus strand). Cytogenetic location: 11q12.1.
Variant type: single nucleotide variant.
Coding change: c.1258G>A on transcript NM_000062.3 (MANE Select); coding-DNA position 1258, G replaced by A.
Protein change: p.Asp420Asn; replaces aspartic acid 420 with asparagine.
Molecular consequence: missense variant.
Genome position (GRCh38, 1-based): chr11:57,614,336, G>A. VCF-style: chr11-57614336-G-A. GRCh37 (hg19) VCF-style: chr11-57381809-G-A.
Other names: c.1258G>A, p.Asp420Asn (NM_001032295.2); short protein forms D420N.
Identifiers: ClinVar variation 1967590 (VCV001967590.5), dbSNP rs760283415, ClinGen allele CA6008267.